The following is an entry in ClinVar:

NM_001267550.2(TTN):c.59735A>G (p.Tyr19912Cys)

Genes: TTN (titin; minus strand), TTN-AS1 (TTN antisense RNA 1; plus strand), LOC126806424 (CDK7 strongly-dependent group 2 enhancer GRCh37_chr2:179456337-179457536; plus strand). Cytogenetic location: 2q31.2.
Variant type: single nucleotide variant.
Coding change: c.59735A>G on transcript NM_001267550.2 (MANE Select); coding-DNA position 59735, A replaced by G.
Protein change: p.Tyr19912Cys; replaces tyrosine 19912 with cysteine.
Molecular consequence: missense variant.
Genome position (GRCh38, 1-based): chr2:178,592,169, T>C on the plus strand (A>G on the coding strand, the complement: TTN is on the minus strand). VCF-style: chr2-178592169-T-C. GRCh37 (hg19) VCF-style: chr2-179456896-T-C.
Other names: c.54812A>G, p.Tyr18271Cys (NM_001256850.1); c.32540A>G, p.Tyr10847Cys (NM_003319.4); c.52031A>G, p.Tyr17344Cys (NM_133378.4); c.32915A>G, p.Tyr10972Cys (NM_133432.3); c.33116A>G, p.Tyr11039Cys (NM_133437.4); short protein forms Y10847C, Y10972C, Y11039C, Y17344C, Y18271C, Y19912C.
Identifiers: ClinVar variation 3054489 (VCV003054489.3), dbSNP rs1251975601, ClinGen allele CA349490894.
Genomic context (GRCh38, chr2:178,592,169, plus strand): 5'-TTTGATGTAGCTGAGAGAGGTGACCACTGGGCGCTGGCAACATCTCTCCTCTCAACCACA[T>C]AATTGGTAATAACAGAACCACCATCATCCAGTGGTTCTTTCCAAGTAAGGTAACATGAAT-3'
Protein context (NP_001254479.2, residues 19902-19922): LDDGGSVITN[Tyr19912Cys]VVERRDVASA

ClinVar aggregate classification (germline): Likely benign. Review status: criteria provided, single submitter (1 of 4 stars). 2 submissions from 2 submitters: Likely benign (1). 1 of the submissions does not count toward it. Last evaluated 2021-06-11.

Conditions:
TTN-related disorder. Also called: TTN-related disorders; TTN-related condition; TTN-related disease.

Allele frequency attached by ClinVar (database versions not stated): TOPMed below 0.00001; gnomAD 0.00001.
gnomAD v4.1: 7 of 1,612,708 alleles (0.00043%); highest among the groups gnomAD compares: Middle Eastern, 0.016%; no homozygotes.

Submissions (2):

Blueprint Genetics
Classification: Likely benign. Last evaluated: 2021-06-11. Review status: criteria provided, single submitter. Criteria: ACMG Guidelines, 2015. Collection method: clinical testing. Allele origin: germline.

PreventionGenetics, part of Exact Sciences
Classification: Uncertain significance for TTN-related condition. Last evaluated: 2023-11-27. Review status: no assertion criteria provided. Collection method: clinical testing. Allele origin: germline. Not counted in ClinVar's aggregate classification.
Comment: The TTN c.59735A>G variant is predicted to result in the amino acid substitution p.Tyr19912Cys. To our knowledge, this variant has not been reported in the literature. This variant is reported in 0.0029% of alleles in individuals of Latino descent in gnomAD. At this time, the clinical significance of this variant is uncertain due to the absence of conclusive functional and genetic evidence.